The following is an entry in ClinVar:

ClinVar aggregate classification (germline): Likely benign (1 of 4 stars; one submission).

Allele frequency attached by ClinVar (database versions not stated): gnomAD exomes below 0.00001 and 0.00001; gnomAD 0.00001; TOPMed 0.00001.
gnomAD v4.1: 2 of 1,202,788 alleles (0.00017%); highest among the groups gnomAD compares: South Asian, 0.0018%; no homozygotes.

Submission:

GeneDx
Classification: Likely benign. Last evaluated: 2015-10-14. Review status: criteria provided, single submitter. Criteria: GeneDx Variant Classification (06012015). Collection method: clinical testing. Allele origin: germline. Affected: yes.
Comment: This variant is considered likely benign or benign based on one or more of the following criteria: it is a conservative change, it occurs at a poorly conserved position in the protein, it is predicted to be benign by multiple in silico algorithms, and/or has population frequency not consistent with disease.

NM_001379110.1(SLC9A6):c.1581+10C>T

Gene: SLC9A6 (solute carrier family 9 member A6; plus strand). Cytogenetic location: Xq26.3.
Variant type: single nucleotide variant.
Coding change: c.1581+10C>T on transcript NM_001379110.1 (MANE Select); 10 bases into the intron after coding-DNA position 1581, C replaced by T.
Molecular consequence: intron variant.
Genome position (GRCh38, 1-based): chrX:136,030,172, C>T. VCF-style: chrX-136030172-C-T. GRCh37 (hg19) VCF-style: chrX-135112331-C-T.
Other names: c.1647+10C>T (NM_001042537.2); c.1551+10C>T (NM_006359.3); c.1491+10C>T (NM_001177651.2); c.1395+10C>T (NM_001330652.2).
Identifiers: ClinVar variation 381062 (VCV000381062.1), dbSNP rs1034902692, ClinGen allele CA16609129.